The following is an entry in ClinVar:

NM_001042492.3(NF1):c.6730del (p.Leu2244fs)

Gene: NF1 (neurofibromin 1; plus strand). Cytogenetic location: 17q11.2.
Variant type: Deletion.
Coding change: c.6730del on transcript NM_001042492.3 (MANE Select); coding-DNA position 6730, one base deleted (C; older notation c.6730delC).
Protein change: p.Leu2244fs; shifts the reading frame from leucine 2244.
Molecular consequence: frameshift variant.
Genome position (GRCh38, 1-based): chr17:31,338,050, C deleted; the last of 3 consecutive C bases (chr17:31,338,048-31,338,050); deleting any one gives the same sequence. VCF-style (leftmost placement, unchanged base first): chr17-31338047-TC-T. GRCh37 (hg19) VCF-style: chr17-29665065-TC-T.
Other names: c.6667delC, p.Leu2223Cysfs (NM_000267.4); short protein forms L2244fs, L2223fs.
Identifiers: ClinVar variation 3722694 (VCV003722694.2).

ClinVar aggregate classification (germline): Pathogenic (1 of 4 stars; one submission).

Conditions:
Neurofibromatosis, type 1 (NF1). Also called: VON RECKLINGHAUSEN DISEASE; NEUROFIBROMATOSIS, TYPE I, SOMATIC; Peripheral type neurofibromatosis; Neurofibromatosis, type I. Identifiers: Orphanet 636, MedGen C0027831, MONDO:0018975, OMIM 162200. Disease mechanism: loss of function.

Submission:

Labcorp Genetics (formerly Invitae), Labcorp
Classification: Pathogenic for Neurofibromatosis, type 1. Last evaluated: 2024-08-07. Review status: criteria provided, single submitter. Criteria: Invitae Variant Classification Sherloc (09022015). Collection method: clinical testing. Allele origin: germline.
Comment: This sequence change creates a premature translational stop signal (p.Leu2223Cysfs*21) in the NF1 gene. It is expected to result in an absent or disrupted protein product. Loss-of-function variants in NF1 are known to be pathogenic (PMID: 10712197, 23913538). This variant is not present in population databases (gnomAD no frequency). This premature translational stop signal has been observed in individual(s) with neurofibromatosis type 1 (PMID: 23656349). Algorithms developed to predict the effect of sequence changes on RNA splicing suggest that this variant may disrupt the consensus splice site. For these reasons, this variant has been classified as Pathogenic.

Literature cited by the submitters: PubMed 10712197; PubMed 23913538; PubMed 23656349.